The following is an entry in ClinVar:

NM_001378778.1(MPDZ):c.3686G>A (p.Arg1229Gln)

Gene: MPDZ (multiple PDZ domain crumbs cell polarity complex component; minus strand). Cytogenetic location: 9p23.
Variant type: single nucleotide variant.
Coding change: c.3686G>A on transcript NM_001378778.1 (MANE Select); coding-DNA position 3686, G replaced by A.
Protein change: p.Arg1229Gln; replaces arginine 1229 with glutamine.
Molecular consequence: missense variant. On other transcripts: intron variant (8).
Genome position (GRCh38, 1-based): chr9:13,147,603, C>T on the plus strand (G>A on the coding strand, the complement: MPDZ is on the minus strand). VCF-style: chr9-13147603-C-T. GRCh37 (hg19) VCF-style: chr9-13147602-C-T.
Other names: c.3686G>A (NM_003829.3); c.3686G>A, p.Arg1229Gln (NM_001261406.2, NM_001261407.2, NM_001330637.2 and 6 more transcripts); c.3630+2908G>A (NM_001375425.1, NM_001375420.1, NM_001375423.1 and 4 more transcripts); c.3432+2908G>A (NM_001375427.1); short protein forms R1229Q.
Identifiers: ClinVar variation 450463 (VCV000450463.8), dbSNP rs61753783, ClinGen allele CA4987024.
Genomic context (GRCh38, chr9:13,147,603, plus strand): 5'-CTTACCCTTGGTCTGTTTATAATGCTCTGTACCATAAAGACTACAGGGTTGCCTGCTTTC[C>T]GAATGGCTTCCACAGCTTGTTCATGGCTTGCATCTCTGAGGTCCATTCCATCCACCTGCA-3'
Protein context (NP_001365707.1, residues 1219-1239): ASHEQAVEAI[Arg1229Gln]KAGNPVVFMV

ClinVar aggregate classification (germline): Uncertain significance. Review status: criteria provided, multiple submitters, no conflicts (2 of 4 stars). 4 submissions from 4 submitters: Uncertain significance (4). Last evaluated 2025-11-03.

Conditions:
MPDZ-related disorder. Also called: MPDZ-related condition.
Inborn genetic diseases. Identifiers: MedGen C0950123, MeSH D030342.

Allele frequency attached by ClinVar (database versions not stated): ExAC 0.00031; gnomAD 0.00036 and 0.00037; TOPMed 0.00041; ESP Exome Variant Server 0.00083.
gnomAD v4.1: 913 of 1,612,258 alleles (0.057%); highest among the groups gnomAD compares: Non-Finnish European, 0.072%; no homozygotes.

Submissions (4):

PreventionGenetics, part of Exact Sciences
Classification: Uncertain significance for MPDZ-related condition. Last evaluated: 2025-11-03. Review status: criteria provided, single submitter. Criteria: ACMG Guidelines, 2015. Collection method: clinical testing. Allele origin: germline.
Comment: The MPDZ c.3686G>A variant is predicted to result in the amino acid substitution p.Arg1229Gln. To our knowledge, this variant has not been reported in the literature in individuals with MPDZ related disorders. This variant is reported in 0.060% of alleles in individuals of European (Non-Finnish) descent in gnomAD. Of note, a different substitution affecting the same amino acid p.Arg1229Trp has been reported in a patient with retinitis pigmentosa (Ali et al. 2011. PubMed ID: 21862650). At this time, the clinical significance of this variant is uncertain due to the absence of conclusive functional and genetic evidence.

Labcorp Genetics (formerly Invitae), Labcorp
Classification: Uncertain significance. Last evaluated: 2025-01-29. Review status: criteria provided, single submitter. Criteria: Invitae Variant Classification Sherloc (09022015). Collection method: clinical testing. Allele origin: germline.
Comment: This sequence change replaces arginine, which is basic and polar, with glutamine, which is neutral and polar, at codon 1229 of the MPDZ protein (p.Arg1229Gln). This variant is present in population databases (rs61753783, gnomAD 0.06%). This variant has not been reported in the literature in individuals affected with MPDZ-related conditions. ClinVar contains an entry for this variant (Variation ID: 450463). An algorithm developed to predict the effect of missense changes on protein structure and function (PolyPhen-2) suggests that this variant is likely to be disruptive. In summary, the available evidence is currently insufficient to determine the role of this variant in disease. Therefore, it has been classified as a Variant of Uncertain Significance.

Ambry Genetics
Classification: Uncertain significance for Inborn genetic diseases. Last evaluated: 2021-09-13. Review status: criteria provided, single submitter. Criteria: Ambry Variant Classification Scheme 2023. Collection method: clinical testing. Allele origin: germline.

GeneDx
Classification: Uncertain significance. Last evaluated: 2017-07-19. Review status: criteria provided, single submitter. Criteria: GeneDx Variant Classification (06012015). Collection method: clinical testing. Allele origin: germline. Affected: yes.
Comment: The R1229Q variant in the MPDZ gene has not been reported previously as a pathogenic variant, nor as a benign variant, to our knowledge. The R1229Q variant is observed in 35/66610 (0.053%) alleles from individuals of Non-Finnish European background, in the ExAC dataset, and no individuals were reported to be homozygous (Lek et al., 2016). The R1229Q variant is a semi-conservative amino acid substitution, which may impact secondary protein structure as these residues differ in some properties. This substitution occurs at a position that is conserved across species. In silico analysis is inconsistent in its predictions as to whether or not the variant is damaging to the protein structure/function. We interpret R1229Q as a variant of uncertain significance.